The following is an entry in ClinVar:

ClinVar aggregate classification (germline): Pathogenic (1 of 4 stars; one submission).

Conditions:
Osteogenesis imperfecta type I (OI1). Also called: Lobstein's Disease; Lobstein disease; OI, TYPE I; OSTEOGENESIS IMPERFECTA TARDA; OSTEOGENESIS IMPERFECTA WITH BLUE SCLERAE; Osteogenesis imperfecta type 1. Identifiers: Orphanet 216796, Orphanet 666, MedGen C0023931, MONDO:0008146, OMIM 166200. Disease mechanism: loss of function.

Submission:

Labcorp Genetics (formerly Invitae), Labcorp
Classification: Pathogenic for Osteogenesis imperfecta type I. Last evaluated: 2024-12-27. Review status: criteria provided, single submitter. Criteria: Invitae Variant Classification Sherloc (09022015). Collection method: clinical testing. Allele origin: germline.
Comment: This sequence change replaces glycine, which is neutral and non-polar, with alanine, which is neutral and non-polar, at codon 395 of the COL1A1 protein (p.Gly395Ala). This variant is not present in population databases (gnomAD no frequency). This missense change has been observed in individual(s) with osteogenesis imperfecta (internal data). ClinVar contains an entry for this variant (Variation ID: 2695001). Invitae Evidence Modeling of protein sequence and biophysical properties (such as structural, functional, and spatial information, amino acid conservation, physicochemical variation, residue mobility, and thermodynamic stability) indicates that this missense variant is expected to disrupt COL1A1 protein function with a positive predictive value of 95%. This variant disrupts the triple helix domain of COL1A1. Glycine residues within the Gly-Xaa-Yaa repeats of the triple helix domain are required for the structure and stability of fibrillar collagens (PMID: 7695699, 8218237, 19344236). In COL1A1, variants affecting these glycine residues are significantly enriched in individuals with disease (PMID: 9016532, 17078022) compared to the general population (ExAC). This variant disrupts the p.Gly395 amino acid residue in COL1A1. Other variant(s) that disrupt this residue have been observed in individuals with COL1A1-related conditions (PMID: 17078022; internal data), which suggests that this may be a clinically significant amino acid residue. For these reasons, this variant has been classified as Pathogenic.

Literature cited by the submitters: PubMed 7695699; PubMed 8218237; PubMed 19344236; PubMed 9016532; PubMed 17078022.

NM_000088.4(COL1A1):c.1184G>C (p.Gly395Ala)

Gene: COL1A1 (collagen type I alpha 1 chain; minus strand). Cytogenetic location: 17q21.33.
Variant type: single nucleotide variant.
Coding change: c.1184G>C on transcript NM_000088.4 (MANE Select); coding-DNA position 1184, G replaced by C.
Protein change: p.Gly395Ala; replaces glycine 395 with alanine.
Molecular consequence: missense variant.
Genome position (GRCh38, 1-based): chr17:50,195,450, C>G on the plus strand (G>C on the coding strand, the complement: COL1A1 is on the minus strand). VCF-style: chr17-50195450-C-G. GRCh37 (hg19) VCF-style: chr17-48272811-C-G.
Other names: short protein forms G395A.
Identifiers: ClinVar variation 2695001 (VCV002695001.3), dbSNP rs2509227622, ClinGen allele CA400219109.